The following is an entry in ClinVar:

ClinVar aggregate classification (germline): Conflicting classifications of pathogenicity. Review status: criteria provided, conflicting classifications (1 of 4 stars). 3 submissions from 3 submitters: Uncertain significance (2); Likely benign (1). Last evaluated 2024-01-02.

Allele frequency attached by ClinVar (database versions not stated): gnomAD exomes 0.00002; ExAC 0.00004; gnomAD 0.00018; TOPMed 0.00022; ESP Exome Variant Server 0.00023.
gnomAD v4.1: 59 of 1,614,098 alleles (0.0037%); highest among the groups gnomAD compares: African/African-American, 0.077%; no homozygotes.

Submissions (3):

Ambry Genetics
Classification: Uncertain significance. Last evaluated: 2024-01-02. Review status: criteria provided, single submitter. Criteria: Ambry Variant Classification Scheme 2023. Collection method: clinical testing. Allele origin: germline.

Labcorp Genetics (formerly Invitae), Labcorp
Classification: Uncertain significance. Last evaluated: 2022-12-20. Review status: criteria provided, single submitter. Criteria: Invitae Variant Classification Sherloc (09022015). Collection method: clinical testing. Allele origin: germline.
Comment: This variant has not been reported in the literature in individuals affected with FAT2-related conditions. In summary, the available evidence is currently insufficient to determine the role of this variant in disease. Therefore, it has been classified as a Variant of Uncertain Significance. Algorithms developed to predict the effect of missense changes on protein structure and function are either unavailable or do not agree on the potential impact of this missense change (SIFT: "Tolerated"; PolyPhen-2: "Possibly Damaging"; Align-GVGD: "Class C0"). This variant is present in population databases (rs143129030, gnomAD 0.05%). This sequence change replaces glycine, which is neutral and non-polar, with arginine, which is basic and polar, at codon 283 of the FAT2 protein (p.Gly283Arg).

CeGaT Center for Human Genetics Tuebingen
Classification: Likely benign. Last evaluated: 2022-05-01. Review status: criteria provided, single submitter. Criteria: CeGaT Center For Human Genetics Tuebingen Variant Classification Criteria Version 2. Collection method: clinical testing. Allele origin: germline. Affected: yes. Observed: 1 variant allele.
Comment: FAT2: BP4

NM_001447.3(FAT2):c.847G>A (p.Gly283Arg)

Gene: FAT2 (FAT atypical cadherin 2; minus strand). Cytogenetic location: 5q33.1.
Variant type: single nucleotide variant.
Coding change: c.847G>A on transcript NM_001447.3 (MANE Select); coding-DNA position 847, G replaced by A.
Protein change: p.Gly283Arg; replaces glycine 283 with arginine.
Molecular consequence: missense variant.
Genome position (GRCh38, 1-based): chr5:151,568,085, C>T on the plus strand (G>A on the coding strand, the complement: FAT2 is on the minus strand). VCF-style: chr5-151568085-C-T. GRCh37 (hg19) VCF-style: chr5-150947646-C-T.
Other names: c.847G>A (NM_001447.2); short protein forms G283R.
Identifiers: ClinVar variation 2655970 (VCV002655970.28), dbSNP rs143129030, ClinGen allele CA3522360.